The following is an entry in ClinVar:

ClinVar aggregate classification (germline): Pathogenic (1 of 4 stars; one submission).

Conditions:
Muscular dystrophy-dystroglycanopathy (congenital with brain and eye anomalies), type a, 11 (MDDGA11). Also called: WALKER-WARBURG SYNDROME OR MUSCLE-EYE-BRAIN DISEASE, B3GALNT2-RELATED; Congenital muscular dystrophy-dystroglycanopathy with brain and eye anomalies, type A11; Muscular dystrophy-dystroglycanopathy (congenital with brain and eye anomalies, type A, 11. Identifiers: Orphanet 588, Orphanet 899, MedGen C3554638, MONDO:0014071, OMIM 615181.

Submission:

Labcorp Genetics (formerly Invitae), Labcorp
Classification: Pathogenic for Muscular dystrophy-dystroglycanopathy (congenital with brain and eye anomalies), type a, 11. Last evaluated: 2025-12-08. Review status: criteria provided, single submitter. Criteria: Invitae Variant Classification Sherloc (09022015). Collection method: clinical testing. Allele origin: germline.
Comment: This sequence change creates a premature translational stop signal (p.Asp357*) in the B3GALNT2 gene. It is expected to result in an absent or disrupted protein product. Loss-of-function variants in B3GALNT2 are known to be pathogenic (PMID: 23453667). This variant is not present in population databases (gnomAD no frequency). This premature translational stop signal has been observed in individual(s) with clinical features of B3GALNT2-related conditions (PMID: 35338537). For these reasons, this variant has been classified as Pathogenic.

Literature cited by the submitters: PubMed 23453667; PubMed 35338537.

NM_152490.5(B3GALNT2):c.1068dup (p.Asp357Ter)

Gene: B3GALNT2 (beta-1,3-N-acetylgalactosaminyltransferase 2; minus strand). Cytogenetic location: 1q42.3.
Variant type: Duplication.
Coding change: c.1068dup on transcript NM_152490.5 (MANE Select); coding-DNA position 1068, one base duplicated (T; older notation c.1068dupT).
Protein change: p.Asp357Ter; replaces aspartic acid 357 with a stop codon.
Molecular consequence: nonsense.
Genome position (GRCh38, 1-based): chr1:235,455,642, A duplicated on the plus strand (T on the coding strand, the reverse complement: B3GALNT2 is on the minus strand). VCF-style (leftmost placement, unchanged base first): chr1-235455641-C-CA. GRCh37 (hg19) VCF-style: chr1-235618953-C-CA.
Other names: short protein forms D357*.
Identifiers: ClinVar variation 4750390 (VCV004750390.1).